The following is an entry in ClinVar:

ClinVar aggregate classification (germline): not provided (0 of 4 stars; one submission).

Allele frequency attached by ClinVar (database versions not stated): gnomAD exomes below 0.00001 and 0.00001; TOPMed 0.00007; gnomAD 0.00008 and 0.00011.
gnomAD v4.1: 18 of 1,605,308 alleles (0.0011%); highest among the groups gnomAD compares: African/African-American, 0.024%; no homozygotes.

Submission:

Human Evolutionary Genetics, Institut Pasteur
No classification provided. Review status: no classification provided. Collection method: not provided. Allele origin: germline.
ClinVar note: Converted during submission from untested to not provided.

NM_176820.4(NLRP9):c.2843+28G>A

Gene: NLRP9 (NLR family pyrin domain containing 9; minus strand). Cytogenetic location: 19q13.42.
Variant type: single nucleotide variant.
Coding change: c.2843+28G>A on transcript NM_176820.4 (MANE Select); 28 bases into the intron after coding-DNA position 2843, G replaced by A.
Molecular consequence: intron variant.
Genome position (GRCh38, 1-based): chr19:55,711,772, C>T on the plus strand (G>A on the coding strand, the complement: NLRP9 is on the minus strand). VCF-style: chr19-55711772-C-T. GRCh37 (hg19) VCF-style: chr19-56223138-C-T.
Identifiers: ClinVar variation 132883 (VCV000132883.2), dbSNP rs199476231, ClinGen allele CA231737.